The following is an entry in ClinVar:

ClinVar aggregate classification (germline): Uncertain significance (1 of 4 stars; one submission).

Submission:

Greenwood Genetic Center Diagnostic Laboratories, Greenwood Genetic Center
Classification: Uncertain significance. Last evaluated: 2021-07-20. Review status: criteria provided, single submitter. Criteria: ACMG Guidelines, 2015. Collection method: clinical testing. Allele origin: germline. Affected: yes.
Comment: BP4, PM2

NM_003791.4(MBTPS1):c.2229-17T>A

Gene: MBTPS1 (membrane bound transcription factor peptidase, site 1; minus strand). Cytogenetic location: 16q23.3.
Variant type: single nucleotide variant.
Coding change: c.2229-17T>A on transcript NM_003791.4 (MANE Select); 17 bases into the intron before coding-DNA position 2229, T replaced by A.
Molecular consequence: intron variant.
Genome position (GRCh38, 1-based): chr16:84,066,630, A>T on the plus strand (T>A on the coding strand, the complement: MBTPS1 is on the minus strand). VCF-style: chr16-84066630-A-T. GRCh37 (hg19) VCF-style: chr16-84100235-A-T.
Identifiers: ClinVar variation 1334508 (VCV001334508.4), dbSNP rs2151145126, ClinGen allele CA2573054276.
Genomic context (GRCh38, chr16:84,066,630, plus strand): 5'-GAGCTGGGATGTTAGCTCCTCCGGTATCCGGCATCCACCACTGCCTGGGAAAGTGGTAAC[A>T]GACACACAGGGAACAGGGAATGAAGACACTCCATACACAGTTATTTAGTCTCTGTGACAA-3'